The following is an entry in ClinVar:

NM_000539.3(RHO):c.409G>A (p.Val137Met)

Gene: RHO (rhodopsin; plus strand). Cytogenetic location: 3q22.1.
Variant type: single nucleotide variant.
Coding change: c.409G>A on transcript NM_000539.3 (MANE Select); coding-DNA position 409, G replaced by A.
Protein change: p.Val137Met; replaces valine 137 with methionine.
Molecular consequence: missense variant.
Genome position (GRCh38, 1-based): chr3:129,530,923, G>A. VCF-style: chr3-129530923-G-A. GRCh37 (hg19) VCF-style: chr3-129249766-G-A.
Other names: short protein forms V137M.
Identifiers: ClinVar variation 1503722 (VCV001503722.8), dbSNP rs778626065, ClinGen allele CA2607154.

ClinVar aggregate classification (germline): Uncertain significance (1 of 4 stars; one submission).

Allele frequency attached by ClinVar (database versions not stated): gnomAD 0.00001; gnomAD exomes 0.00001 and 0.00002; ExAC 0.00002.
gnomAD v4.1: 11 of 1,614,154 alleles (0.00068%); highest among the groups gnomAD compares: East Asian, 0.0089%; no homozygotes.

Submission:

Labcorp Genetics (formerly Invitae), Labcorp
Classification: Uncertain significance. Last evaluated: 2024-07-15. Review status: criteria provided, single submitter. Criteria: Invitae Variant Classification Sherloc (09022015). Collection method: clinical testing. Allele origin: germline.
Comment: This sequence change replaces valine, which is neutral and non-polar, with methionine, which is neutral and non-polar, at codon 137 of the RHO protein (p.Val137Met). The frequency data for this variant in the population databases is considered unreliable, as metrics indicate poor data quality at this position in the gnomAD database. This missense change has been observed in individual(s) with retinitis pigmentosa (RP) (PMID: 8682506). ClinVar contains an entry for this variant (Variation ID: 1503722). Advanced modeling of protein sequence and biophysical properties (such as structural, functional, and spatial information, amino acid conservation, physicochemical variation, residue mobility, and thermodynamic stability) performed at Invitae indicates that this missense variant is not expected to disrupt RHO protein function with a negative predictive value of 80%. Experimental studies are conflicting or provide insufficient evidence to determine the effect of this variant on RHO function (PMID: 12646201, 30240733, 30977563). In summary, the available evidence is currently insufficient to determine the role of this variant in disease. Therefore, it has been classified as a Variant of Uncertain Significance.

Literature cited by the submitters: PubMed 8682506; PubMed 12646201; PubMed 30240733; PubMed 30977563.